The following is an entry in ClinVar:

ClinVar aggregate classification (germline): Pathogenic. Review status: criteria provided, multiple submitters, no conflicts (2 of 4 stars). 6 submissions from 6 submitters: Pathogenic (5). 1 of the submissions does not count toward it. Last evaluated 2025-04-11.

Conditions:
Familial hyperparathyroidism or Hypocalciuric hypercalcaemia.
MEN1-related disorder. Also called: MEN1-related condition.
Hereditary cancer-predisposing syndrome. Also called: Neoplastic Syndromes, Hereditary; Tumor predisposition; Hereditary Cancer Syndrome; Hereditary neoplastic syndrome. Identifiers: Orphanet 140162, MedGen C0027672, MeSH D009386, MONDO:0015356.
Multiple endocrine neoplasia, type 1 (MEN1). Also called: MEN I; WERMER SYNDROME; Endocrine adenomatosis multiple; MEN 1; MEA I. Identifiers: Orphanet 652, MedGen C0025267, MeSH D018761, MONDO:0007540, OMIM 131100.

Allele frequency attached by ClinVar (database versions not stated): TOPMed below 0.00001.

Submissions (6):

Labcorp Genetics (formerly Invitae), Labcorp
Classification: Pathogenic for Multiple endocrine neoplasia, type 1. Last evaluated: 2025-04-11. Review status: criteria provided, single submitter. Criteria: Invitae Variant Classification Sherloc (09022015). Collection method: clinical testing. Allele origin: germline.
Comment: This sequence change creates a premature translational stop signal (p.Tyr323*) in the MEN1 gene. It is expected to result in an absent or disrupted protein product. Loss-of-function variants in MEN1 are known to be pathogenic (PMID: 12112656, 17853334). This variant is not present in population databases (gnomAD no frequency). This premature translational stop signal has been observed in individual(s) with multiple endocrine neoplasia type 1 (PMID: 9215689, 12791038, 22026581). ClinVar contains an entry for this variant (Variation ID: 403838). For these reasons, this variant has been classified as Pathogenic.

Blueprint Genetics
Classification: Pathogenic for MEN1-related disorders. Last evaluated: 2023-08-02. Review status: criteria provided, single submitter. Criteria: ACMG Guidelines, 2015. Collection method: clinical testing. Allele origin: germline. Affected: yes. Observed: 1 variant allele.

Myriad Genetics, Inc.
Classification: Pathogenic for Multiple endocrine neoplasia, type 1. Last evaluated: 2023-07-07. Review status: criteria provided, single submitter. Criteria: Myriad Autosomal Dominant, Autosomal Recessive and X-Linked Classification Criteria (2023). Collection method: clinical testing. Allele origin: unknown.
Comment: This variant is considered pathogenic. This variant creates a termination codon and is predicted to result in premature protein truncation.

Ambry Genetics
Classification: Pathogenic for Hereditary cancer-predisposing syndrome. Last evaluated: 2022-07-13. Review status: criteria provided, single submitter. Criteria: Ambry Variant Classification Scheme 2023. Collection method: clinical testing. Allele origin: germline.
Comment: The p.Y323* pathogenic mutation (also known as c.969C>A), located in coding exon 6 of the MEN1 gene, results from a C to A substitution at nucleotide position 969. This changes the amino acid from a tyrosine to a stop codon within coding exon 6. This alteration has been identified in cohorts of patients with multiple endocrine neoplasia type 1 (MEN1) from Korea and Spain (Belar O et al. Clin. Endocrinol. (Oxf), 2012 May;76:719-24; Park JH et al. Clin. Genet. 2003 Jul;64:48-53). In addition to the clinical data presented in the literature, this alteration is expected to result in loss of function by premature protein truncation or nonsense-mediated mRNA decay. As such, this alteration is interpreted as a disease-causing mutation.

Clinical Genetics and Genomics, Karolinska University Hospital
Classification: Pathogenic. Last evaluated: 2014-09-03. Review status: criteria provided, single submitter. Criteria: ACMG Guidelines, 2015. Collection method: clinical testing. Allele origin: germline. Affected: yes. Observed: 1 variant allele.

Exeter Genomics Laboratory, Royal Devon University Healthcare NHS Foundation Trust
Classification: Pathogenic for Familial hyperparathyroidism or Hypocalciuric hypercalcaemia. Last evaluated: 2025-06-19. Review status: no assertion criteria provided. Collection method: clinical testing. Allele origin: germline. Affected: yes. Not counted in ClinVar's aggregate classification.

Literature cited by the submitters: PubMed 12112656 (cited by Labcorp Genetics (formerly Invitae), Labcorp); PubMed 17853334 (cited by Labcorp Genetics (formerly Invitae), Labcorp); PubMed 9215689 (cited by Labcorp Genetics (formerly Invitae), Labcorp); PubMed 12791038 (cited by Labcorp Genetics (formerly Invitae), Labcorp and Ambry Genetics); PubMed 22026581 (cited by Labcorp Genetics (formerly Invitae), Labcorp and Ambry Genetics).

NM_001370259.2(MEN1):c.969C>A (p.Tyr323Ter)

Gene: MEN1 (menin 1; minus strand). Cytogenetic location: 11q13.1.
Variant type: single nucleotide variant.
Coding change: c.969C>A on transcript NM_001370259.2 (MANE Select); coding-DNA position 969, C replaced by A.
Protein change: p.Tyr323Ter; replaces tyrosine 323 with a stop codon.
Molecular consequence: nonsense.
Genome position (GRCh38, 1-based): chr11:64,806,312, G>T on the plus strand (C>A on the coding strand, the complement: MEN1 is on the minus strand). VCF-style: chr11-64806312-G-T. GRCh37 (hg19) VCF-style: chr11-64573784-G-T.
Other names: c.984C>A, p.Tyr328Ter (NM_000244.4, NM_130800.3, NM_130801.3 and 3 more transcripts); c.969C>A, p.Tyr323Ter (NM_001370251.2, NM_001370260.2, NM_001370261.2 and 1 more transcripts); c.864C>A, p.Tyr288Ter (NM_001370262.2, NM_001370263.2); short protein forms Y323*, Y328*, Y288*.
Identifiers: ClinVar variation 403838 (VCV000403838.18), dbSNP rs750904332, ClinGen allele CA16613392.